The following is an entry in ClinVar:

NM_004364.5(CEBPA):c.-57C>G

Genes: CEBPA (CCAAT enhancer binding protein alpha; minus strand), LOC130064183 (ATAC-STARR-seq lymphoblastoid silent region 10495; plus strand). Cytogenetic location: 19q13.11.
Variant type: single nucleotide variant.
Coding change: c.-57C>G on transcript NM_004364.5 (MANE Select); 57 bases upstream of the start codon, C replaced by G.
Molecular consequence: 5 prime UTR variant. On other transcripts: missense variant (1).
Genome position (GRCh38, 1-based): chr19:33,302,471, G>C on the plus strand (C>G on the coding strand, the complement: CEBPA is on the minus strand). VCF-style: chr19-33302471-G-C. GRCh37 (hg19) VCF-style: chr19-33793377-G-C.
Other names: c.-414C>G (NM_001285829.2); c.49C>G, p.Pro17Ala (NM_001287424.2); c.-99C>G (NM_001287435.2); short protein forms P17A.
Identifiers: ClinVar variation 4983647 (VCV004983647.1).

ClinVar aggregate classification (germline): Uncertain significance (1 of 4 stars; one submission).

Conditions:
CEBPA-related disorder. Also called: CEBPA-related condition.

gnomAD v4.1: 25 of 1,151,532 alleles (0.0022%); highest among the groups gnomAD compares: African/African-American, 0.032%; no homozygotes.

Submission:

PreventionGenetics, part of Exact Sciences
Classification: Uncertain significance for CEBPA-related condition. Last evaluated: 2025-07-14. Review status: criteria provided, single submitter. Criteria: ACMG Guidelines, 2015. Collection method: clinical testing. Allele origin: germline.
Comment: The CEBPA c.49C>G variant is predicted to result in the amino acid substitution p.Pro17Ala. To our knowledge, this variant has not been reported in the literature. This variant is reported in 0.082% of alleles in individuals of African descent in gnomAD, which may be too common to be a primary cause of disease. At the time of reporting, this variant was not classified in ClinVar. Although we suspect that this variant may be benign, at this time, the clinical significance of this variant is uncertain due to the absence of conclusive functional and genetic evidence.